The following is an entry in ClinVar:

ClinVar aggregate classification (germline): Pathogenic (1 of 4 stars; one submission).

Conditions:
Type 2 collagenopathy. Identifiers: Orphanet 93421, MedGen C2931073, MONDO:0022800.

Submission:

Victorian Clinical Genetics Services, Murdoch Childrens Research Institute
Classification: Pathogenic for Type 2 collagenopathy. Last evaluated: 2025-02-05. Review status: criteria provided, single submitter. Criteria: ACMG Guidelines, 2015. Collection method: clinical testing. Allele origin: germline. Affected: yes.
Comment: This variant is classified as Pathogenic. Evidence in support of pathogenic classification: Variant is absent from gnomAD (v2, v3 and v4); Other missense variant(s) comparable to the one identified in this case have strong previous evidence for pathogenicity. p.(Gly501Arg), p.(Gly501Glu), and p.(Gly501Val) have been classified as likely pathogenic by clinical laboratories in ClinVar. p.(Gly501Arg) has also been reported in individuals with spondyloepiphyseal dysplasia congenita, including one de novo individual (PMID: 34091931, 20513134); Variant is located in the well-established functional Gly-X-Y motif and affects a glycine residue (DECIPHER); Missense variant predicted to be damaging by in silico tool(s) or highly conserved with a major amino acid change. Additional information: Variant is predicted to result in a missense amino acid change from glycine to tryptophan; This variant is heterozygous; This gene is associated with autosomal dominant disease; This variant has no previous evidence of pathogenicity; No published segregation evidence has been identified for this variant; No published functional evidence has been identified for this variant; Dominant negative and loss of function are known mechanisms of disease in this gene and are associated with COL2A1-related disorders. Loss of function variants have been reported to cause Stickler syndrome, whereas missense variants with a dominant negative effect on protein function result in spondyloepiphyseal or spondyloepimetaphyseal dysplasia (OMIM, PMID: 35052477, PMID: 15895462); Variants in this gene are known to have variable expressivity (PMID: 20301479); Inheritance information for this variant is not currently available in this individual.

Literature cited by the submitters: PubMed 20301479; PubMed 34091931; PubMed 15895462; PubMed 20513134; PubMed 35052477.

NM_001844.5(COL2A1):c.1501G>T (p.Gly501Trp)

Gene: COL2A1 (collagen type II alpha 1 chain; minus strand). Cytogenetic location: 12q13.11.
Variant type: single nucleotide variant.
Coding change: c.1501G>T on transcript NM_001844.5 (MANE Select); coding-DNA position 1501, G replaced by T.
Protein change: p.Gly501Trp; replaces glycine 501 with tryptophan.
Molecular consequence: missense variant.
Genome position (GRCh38, 1-based): chr12:47,986,362, C>A on the plus strand (G>T on the coding strand, the complement: COL2A1 is on the minus strand). VCF-style: chr12-47986362-C-A. GRCh37 (hg19) VCF-style: chr12-48380145-C-A.
Other names: c.1294G>T, p.Gly432Trp (NM_033150.3); short protein forms G432W, G501W.
Identifiers: ClinVar variation 4531414 (VCV004531414.1).